The following is an entry in ClinVar:

ClinVar aggregate classification (germline): Uncertain significance (1 of 4 stars; one submission).

Allele frequency attached by ClinVar (database versions not stated): gnomAD exomes below 0.00001; gnomAD 0.00001.
gnomAD v4.1: 5 of 1,613,940 alleles (0.00031%); highest among the groups gnomAD compares: Non-Finnish European, 0.00042%; no homozygotes.

Submission:

Labcorp Genetics (formerly Invitae), Labcorp
Classification: Uncertain significance. Last evaluated: 2023-10-05. Review status: criteria provided, single submitter. Criteria: Invitae Variant Classification Sherloc (09022015). Collection method: clinical testing. Allele origin: germline.
Comment: This sequence change replaces leucine, which is neutral and non-polar, with proline, which is neutral and non-polar, at codon 279 of the WNT10B protein (p.Leu279Pro). This variant is present in population databases (no rsID available, gnomAD 0.007%). This variant has not been reported in the literature in individuals affected with WNT10B-related conditions. Advanced modeling of protein sequence and biophysical properties (such as structural, functional, and spatial information, amino acid conservation, physicochemical variation, residue mobility, and thermodynamic stability) performed at Invitae indicates that this missense variant is not expected to disrupt WNT10B protein function. In summary, the available evidence is currently insufficient to determine the role of this variant in disease. Therefore, it has been classified as a Variant of Uncertain Significance.

NM_003394.4(WNT10B):c.836T>C (p.Leu279Pro)

Gene: WNT10B (Wnt family member 10B; minus strand). Cytogenetic location: 12q13.12.
Variant type: single nucleotide variant.
Coding change: c.836T>C on transcript NM_003394.4 (MANE Select); coding-DNA position 836, T replaced by C.
Protein change: p.Leu279Pro; replaces leucine 279 with proline.
Molecular consequence: missense variant.
Genome position (GRCh38, 1-based): chr12:48,966,429, A>G on the plus strand (T>C on the coding strand, the complement: WNT10B is on the minus strand). VCF-style: chr12-48966429-A-G. GRCh37 (hg19) VCF-style: chr12-49360212-A-G.
Other names: short protein forms L279P.
Identifiers: ClinVar variation 2989170 (VCV002989170.3), dbSNP rs1449966362, ClinGen allele CA384673116.
Genomic context (GRCh38, chr12:48,966,429, plus strand): 5'-AGACGGGGCTGGAAGGCTCCAGAATTGCGGTTGTGGGTATCAATGAAGATGGCCCGGCCC[A>G]GCCGCTCCCTCAACGCCGCCCCCACTGCCCGGAACTCTGGGGCCGCCCTCCAGCATGTCT-3'
Protein context (NP_003385.2, residues 269-289): RAVGAALRER[Leu279Pro]GRAIFIDTHN